The following is an entry in ClinVar:

ClinVar aggregate classification (germline): Uncertain significance (1 of 4 stars; one submission).

Submission:

Labcorp Genetics (formerly Invitae), Labcorp
Classification: Uncertain significance. Last evaluated: 2024-12-07. Review status: criteria provided, single submitter. Criteria: Invitae Variant Classification Sherloc (09022015). Collection method: clinical testing. Allele origin: germline.
Comment: This sequence change replaces proline, which is neutral and non-polar, with leucine, which is neutral and non-polar, at codon 1954 of the CACNA1E protein (p.Pro1954Leu). This variant is not present in population databases (gnomAD no frequency). This variant has not been reported in the literature in individuals affected with CACNA1E-related conditions. Invitae Evidence Modeling of protein sequence and biophysical properties (such as structural, functional, and spatial information, amino acid conservation, physicochemical variation, residue mobility, and thermodynamic stability) indicates that this missense variant is not expected to disrupt CACNA1E protein function with a negative predictive value of 95%. In summary, the available evidence is currently insufficient to determine the role of this variant in disease. Therefore, it has been classified as a Variant of Uncertain Significance.

NM_001205293.3(CACNA1E):c.5861C>T (p.Pro1954Leu)

Gene: CACNA1E (calcium voltage-gated channel subunit alpha1 E; plus strand). Cytogenetic location: 1q25.3.
Variant type: single nucleotide variant.
Coding change: c.5861C>T on transcript NM_001205293.3 (MANE Select); coding-DNA position 5861, C replaced by T.
Protein change: p.Pro1954Leu; replaces proline 1954 with leucine.
Molecular consequence: missense variant.
Genome position (GRCh38, 1-based): chr1:181,790,519, C>T. VCF-style: chr1-181790519-C-T. GRCh37 (hg19) VCF-style: chr1-181759655-C-T.
Other names: c.5861C>T, p.Pro1954Leu (NM_000721.4); c.5804C>T, p.Pro1935Leu (NM_001205294.2); short protein forms P1954L, P1935L.
Identifiers: ClinVar variation 3633692 (VCV003633692.2).